The following is an entry in ClinVar:

ClinVar aggregate classification (germline): Pathogenic (1 of 4 stars; one submission).

Conditions:
Fabry disease. Also called: ALPHA-GALACTOSIDASE A DEFICIENCY; ANDERSON-FABRY DISEASE; CERAMIDE TRIHEXOSIDASE DEFICIENCY; GLA DEFICIENCY; HEREDITARY DYSTOPIC LIPIDOSIS; Angiokeratoma corporis diffusum. Identifiers: Orphanet 324, MedGen C0002986, MONDO:0010526, OMIM 301500, HP:0001071. Disease mechanism: Fabry disease is due to inactivating mutations in the X-linked GLA gene resulting in deficiency of the enzyme Alpha Galactosidase-A., loss of function.

Submission:

Genomenon, Inc
Classification: Pathogenic for Fabry disease. Last evaluated: 2026-09-08. Review status: criteria provided, single submitter. Criteria: Genomenon Sequence Variant Interpretation Standards - Updated. Collection method: curation. Allele origin: germline. Affected: yes.
Comment: GLA p.Trp24Ter (c.71G>A) is a nonsense variant that introduces a premature stop codon at amino acid position 24 and is predicted to result in a truncated or absent protein product. This variant has been observed in at least one proband with clinical features consistent with Fabry disease (PMID:23430893;29079200;25955246). The variant was found to segregate with disease in at least one affected family (PMID:29079200). Functional or patient cell studies have been reported (PMID:23430893). It is absent or not present at a significant frequency in gnomAD. In conclusion, we classify GLA p.Trp24Ter (c.71G>A) as a pathogenic variant.

Literature cited by the submitters: PubMed 23430893; PubMed 29079200; PubMed 25955246.

NM_000169.3(GLA):c.71G>A (p.Trp24Ter)

Genes: GLA (galactosidase alpha; minus strand), RPL36A-HNRNPH2 (RPL36A-HNRNPH2 readthrough; plus strand). Cytogenetic location: Xq22.1.
Variant type: single nucleotide variant.
Coding change: c.71G>A on transcript NM_000169.3 (MANE Select); coding-DNA position 71, G replaced by A.
Protein change: p.Trp24Ter; replaces tryptophan 24 with a stop codon.
Molecular consequence: nonsense. On other transcripts: non-coding transcript variant (3), intron variant (2).
Genome position (GRCh38, 1-based): chrX:101,407,833, C>T on the plus strand (G>A on the coding strand, the complement: GLA is on the minus strand). VCF-style: chrX-101407833-C-T. GRCh37 (hg19) VCF-style: chrX-100662821-C-T.
Other names: c.71G>A, p.Trp24Ter (NM_001406747.1, NM_001406748.1, NM_001406749.1); c.301-4103C>T (NM_001199973.2); c.178-4103C>T (NM_001199974.2); short protein forms W24*.
Identifiers: ClinVar variation 4087136 (VCV004087136.2), dbSNP rs869312390.